The following is an entry in ClinVar:

ClinVar aggregate classification (germline): Likely benign (1 of 4 stars; one submission).

Conditions:
PDE6B-related disorder. Also called: PDE6B-related disease; PDE6B-related condition; PDE6B-related disorders.

gnomAD v4.1: 28 of 1,613,378 alleles (0.0017%); highest among the groups gnomAD compares: East Asian, 0.031%; no homozygotes.

Submission:

PreventionGenetics, part of Exact Sciences
Classification: Likely benign for PDE6B-related condition. Last evaluated: 2025-11-26. Review status: criteria provided, single submitter. Criteria: ACMG Guidelines, 2015. Collection method: clinical testing. Allele origin: germline.
Comment: This variant is classified as likely benign based on ACMG/AMP sequence variant interpretation guidelines (Richards et al. 2015 PMID: 25741868, with internal and published modifications).

NM_000283.4(PDE6B):c.108C>T (p.Cys36=)

Gene: PDE6B (phosphodiesterase 6B; plus strand). Cytogenetic location: 4p16.3.
Variant type: single nucleotide variant.
Coding change: c.108C>T on transcript NM_000283.4 (MANE Select); coding-DNA position 108, C replaced by T.
Protein change: p.Cys36=; no amino-acid change (cysteine 36 retained).
Molecular consequence: synonymous variant.
Genome position (GRCh38, 1-based): chr4:625,734, C>T. VCF-style: chr4-625734-C-T. GRCh37 (hg19) VCF-style: chr4-619523-C-T.
Other names: c.108C>T, p.Cys36= (NM_001145291.2, NM_001440547.1, NM_001440548.1).
Identifiers: ClinVar variation 4988015 (VCV004988015.1).